The following is an entry in ClinVar:

ClinVar aggregate classification (germline): Conflicting classifications of pathogenicity. Review status: criteria provided, conflicting classifications (1 of 4 stars). 8 submissions from 8 submitters: Uncertain significance (1); Benign (1); Likely benign (4). 2 of the submissions do not count toward it. Last evaluated 2025-12-21.

Conditions:
CHRNA4-related disorder. Also called: CHRNA4-related condition.
Inborn genetic diseases. Identifiers: MedGen C0950123, MeSH D030342.
Familial sleep-related hypermotor epilepsy. Also called: Autosomal Dominant Sleep-Related Hypermotor (Hyperkinetic) Epilepsy. Identifiers: Orphanet 98784, MedGen C3696898, MONDO:0000030.
Tobacco use disorder. Identifiers: MedGen C0040336.

Allele frequency attached by ClinVar (database versions not stated): TOPMed 0.00017; gnomAD 0.00019 and 0.00021; ExAC 0.00020; ESP Exome Variant Server 0.00023.
gnomAD v4.1: 549 of 1,610,448 alleles (0.034%); highest among the groups gnomAD compares: Non-Finnish European, 0.043%; 1 homozygote.

Submissions (8):

Labcorp Genetics (formerly Invitae), Labcorp
Classification: Likely benign. Last evaluated: 2025-12-21. Review status: criteria provided, single submitter. Criteria: Invitae Variant Classification Sherloc (09022015). Collection method: clinical testing. Allele origin: germline.

Blueprint Genetics
Classification: Likely benign. Last evaluated: 2024-09-25. Review status: criteria provided, single submitter. Criteria: ACMG Guidelines, 2015. Collection method: clinical testing. Allele origin: germline.

CeGaT Center for Human Genetics Tuebingen
Classification: Likely benign. Last evaluated: 2023-10-01. Review status: criteria provided, single submitter. Criteria: CeGaT Center For Human Genetics Tuebingen Variant Classification Criteria Version 2. Collection method: clinical testing. Allele origin: germline. Affected: yes. Observed: 4 variant alleles.
Comment: CHRNA4: BP4, BP7

Ambry Genetics
Classification: Likely benign for Inborn genetic diseases. Last evaluated: 2018-05-11. Review status: criteria provided, single submitter. Criteria: Ambry Variant Classification Scheme 2023. Collection method: clinical testing. Allele origin: germline.

Eurofins Ntd Llc (ga)
Classification: Uncertain significance. Last evaluated: 2016-07-22. Review status: criteria provided, single submitter. Criteria: EGL Classification Definitions 2015. Collection method: clinical testing. Allele origin: germline. Observed: 1 variant allele, 1 heterozygote.

GeneDx
Classification: Benign. Last evaluated: 2013-05-14. Review status: criteria provided, single submitter. Criteria: GeneDx Variant Classification (06012015). Collection method: clinical testing. Allele origin: germline. Affected: yes.
Comment: This variant is considered likely benign or benign based on one or more of the following criteria: it is a conservative change, it occurs at a poorly conserved position in the protein, it is predicted to be benign by multiple in silico algorithms, and/or has population frequency not consistent with disease.

PreventionGenetics, part of Exact Sciences
Classification: Likely benign for CHRNA4-related condition. Last evaluated: 2019-08-30. Review status: no assertion criteria provided. Collection method: clinical testing. Allele origin: germline. Not counted in ClinVar's aggregate classification.
Comment: This variant is classified as likely benign based on ACMG/AMP sequence variant interpretation guidelines (Richards et al. 2015 PMID: 25741868, with internal and published modifications).

Psychiatry Genetics Yale University
No classification provided. Review status: no classification provided. Collection method: not provided. Allele origin: somatic. Not counted in ClinVar's aggregate classification.

NM_000744.7(CHRNA4):c.1635G>A (p.Thr545=)

Gene: CHRNA4 (cholinergic receptor nicotinic alpha 4 subunit; minus strand). Cytogenetic location: 20q13.33.
Variant type: single nucleotide variant.
Coding change: c.1635G>A on transcript NM_000744.7 (MANE Select); coding-DNA position 1635, G replaced by A.
Protein change: p.Thr545=; no amino-acid change (threonine 545 retained).
Molecular consequence: synonymous variant. On other transcripts: non-coding transcript variant (1).
Genome position (GRCh38, 1-based): chr20:63,349,776, C>T on the plus strand (G>A on the coding strand, the complement: CHRNA4 is on the minus strand). VCF-style: chr20-63349776-C-T. GRCh37 (hg19) VCF-style: chr20-61981128-C-T.
Other names: p.T545T:ACG>ACA; c.1107G>A, p.Thr369= (NM_001256573.2).
Identifiers: ClinVar variation 98321 (VCV000098321.60), dbSNP rs121912283, ClinGen allele CA150422.
Genomic context (GRCh38, chr20:63,349,776, plus strand): 5'-GGTCAGGGCCGGCGACAGGGGCAGGTGCGGGGGCGGCGCTTTGGTGCTGCGGGTCTTGAC[C>T]GTGGCGCTCGGGGACACCGAAGAGGGCTCCTTCTTGCATGTGCATTTGCACGGAGAGGGC-3'
Protein context (NP_000735.1, residues 535-555): KEPSSVSPSA[Thr545=]VKTRSTKAPP